The following is an entry in ClinVar:

NM_000263.4(NAGLU):c.1325_1330dup (p.Met443_Ala444insGlyMet)

Gene: NAGLU (N-acetyl-alpha-glucosaminidase; plus strand). Cytogenetic location: 17q21.2.
Variant type: Duplication.
Coding change: c.1325_1330dup on transcript NM_000263.4 (MANE Select); coding-DNA positions 1325 to 1330, 6 bases duplicated (GCATGG; older notation c.1325_1330dupGCATGG).
Protein change: p.Met443_Ala444insGlyMet.
Molecular consequence: inframe insertion.
Genome position (GRCh38, 1-based): chr17:42,543,331-42,543,336, GCATGG duplicated; duplicating any 6 consecutive bases within chr17:42,543,329-42,543,336 gives the same sequence; the c. name uses the placement nearest the transcript's 3' end. VCF-style (leftmost placement, unchanged base first): chr17-42543328-C-CGGGCAT. GRCh37 (hg19) VCF-style: chr17-40695346-C-CGGGCAT.
Identifiers: ClinVar variation 5003997 (VCV005003997.1).
Genomic context (GRCh38, chr17:42,543,328, plus strand): 5'-AGGCTGTGAACGGAGGCCCAGAAGCTGCCCGCCTCTTCCCCAACTCCACCATGGTAGGCA[C>CGGGCAT]GGGCATGGCCCCCGAGGGCATCAGCCAGAACGAAGTGGTCTATTCCCTCATGGCTGAGCT-3'

ClinVar aggregate classification (germline): Uncertain significance (1 of 4 stars; one submission).

Conditions:
Mucopolysaccharidosis, MPS-III-B (MPS3B). Also called: SANFILIPPO SYNDROME B; MUCOPOLYSACCHARIDOSIS, TYPE IIIB; Mucopolysaccharidosis type IIIB (Sanfilippo B); MPS IIIB (Sanfilippo Syndrome Type B); N-ACETYL-ALPHA-D-GLUCOSAMINIDASE DEFICIENCY; NAGLU DEFICIENCY. Identifiers: Orphanet 79270, MedGen C0086648, MONDO:0009656, OMIM 252920.

Submission:

Myriad Genetics, Inc.
Classification: Uncertain significance for Mucopolysaccharidosis, MPS-III-B. Last evaluated: 2025-09-30. Review status: criteria provided, single submitter. Criteria: Myriad Autosomal Dominant, Autosomal Recessive and X-Linked Classification Criteria (2023). Collection method: clinical testing. Allele origin: unknown.
Comment: NM_000263.3(NAGLU):c.1325_1330dup6(G442_M443dup) is an in-frame insertion classified as a variant of uncertain significance in the context of mucopolysaccharidosis type IIIB. G442_M443dup has not been observed in cases with relevant disease. Relevant functional assessments of this variant are not available in the literature. G442_M443dup has not been observed in referenced population frequency databases. In summary, there is insufficient evidence to classify NM_000263.3(NAGLU):c.1325_1330dup6(G442_M443dup) as pathogenic or benign. Please note: this variant was assessed in the context of healthy population screening.